The following is an entry in ClinVar:

ClinVar aggregate classification (germline): Likely pathogenic (1 of 4 stars; one submission).

Conditions:
X-linked Alport syndrome (ATS1). Also called: COL4A5-Related Nephropathy; NEPHROPATHY AND DEAFNESS, X-LINKED. Identifiers: Orphanet 63, Orphanet 88917, MedGen C4746986, MONDO:0010520, OMIM 301050.

Submission:

3billion
Classification: Likely pathogenic for X-linked Alport syndrome. Last evaluated: 2024-10-18. Review status: criteria provided, single submitter. Criteria: ACMG Guidelines, 2015. Collection method: clinical testing. Allele origin: germline. Affected: yes.
Comment: The variant is not observed in the gnomAD v4.1.0 dataset. Predicted Consequence/Location: Canonical splice site: predicted to alter splicing and result in a loss or disruption of normal protein function. Multiple pathogenic loss-of-function variants are reported downstream of the variant. The variant has been reported in previous publication (PMID: 37100867; 3billion dataset). Therefore, this variant is classified as Likely pathogenic according to the recommendation of ACMG/AMP guideline.

NM_033380.3(COL4A5):c.1779+4_1779+8del

Gene: COL4A5 (collagen type IV alpha 5 chain; plus strand). Cytogenetic location: Xq22.3.
Variant type: Deletion.
Coding change: c.1779+4_1779+8del on transcript NM_033380.3 (MANE Select); bases 4 to 8 of the intron after coding-DNA position 1779, 5 bases deleted (AGTTG; older notation c.1779+4_1779+8delAGTTG).
Molecular consequence: splice donor variant.
Genome position (GRCh38, 1-based): chrX:108,597,572-108,597,576, AGTTG deleted; deleting any 5 consecutive bases within chrX:108,597,570-108,597,576 gives the same sequence; the c. name uses the placement nearest the transcript's 3' end. VCF-style (leftmost placement, unchanged base first): chrX-108597569-GTGAGT-G. GRCh37 (hg19) VCF-style: chrX-107840799-GTGAGT-G.
Other names: c.1779+4_1779+8del (NM_000495.5).
Identifiers: ClinVar variation 4292049 (VCV004292049.1).
Genomic context (GRCh38, chrX:108,597,569, plus strand): 5'-TTACCTGGCACTCCTGGACAGGATGGATTGCCAGGGCTTCCTGGCCCGAAAGGAGAGCCT[GTGAGT>G]TGGTTTGATATTTTTGGTTTTGTGATGTTAAATTTTCACTTAGAAATGTTTTCTAAGTTA-3'